The following is an entry in ClinVar:

NM_001374504.1(TMPRSS6):c.66G>A (p.Ala22=)

Gene: TMPRSS6 (transmembrane serine protease 6; minus strand). Cytogenetic location: 22q12.3.
Variant type: single nucleotide variant.
Coding change: c.66G>A on transcript NM_001374504.1 (MANE Select); coding-DNA position 66, G replaced by A.
Protein change: p.Ala22=; no amino-acid change (alanine 22 retained).
Molecular consequence: synonymous variant.
Genome position (GRCh38, 1-based): chr22:37,103,352, C>T on the plus strand (G>A on the coding strand, the complement: TMPRSS6 is on the minus strand). VCF-style: chr22-37103352-C-T. GRCh37 (hg19) VCF-style: chr22-37499392-C-T.
Other names: p.Ala31=; c.66G>A, p.Ala22= (NM_153609.4, NM_001289000.2, NM_001289001.2).
Identifiers: ClinVar variation 4684487 (VCV004684487.2).
Genomic context (GRCh38, chr22:37,103,352, plus strand): 5'-GAGGTAGCCCCGGGCTTTTCTCTTGGAGTCCTCACAGGCCTTGAACATCCCCTCCGGCTC[C>T]GCTTCCTCGCCATCACCTCCGTCCCCCTGCCCGCCAGCCACCTGGGGGGCCTCGGCCACG-3'
Protein context (NP_001361433.1, residues 12-32): GQGDGGDGEE[Ala22=]EPEGMFKACE

ClinVar aggregate classification (germline): Likely benign. Review status: criteria provided, multiple submitters, no conflicts (2 of 4 stars). 2 submissions from 2 submitters: Likely benign (2). Last evaluated 2024-10-16.

gnomAD v4.1: 29 of 1,614,114 alleles (0.0018%); highest among the groups gnomAD compares: South Asian, 0.0022%; no homozygotes.

Submissions (2):

Mayo Clinic Laboratories, Mayo Clinic
Classification: Likely benign. Last evaluated: 2024-10-16. Review status: criteria provided, single submitter. Criteria: ACMG Guidelines, 2015. Collection method: clinical testing. Allele origin: germline. Observed: 1 variant allele.
Comment: BP4, BP7, PM2_supporting

Blueprint Genetics
Classification: Likely benign. Last evaluated: 2024-10-15. Review status: criteria provided, single submitter. Criteria: ACMG Guidelines, 2015. Collection method: clinical testing. Allele origin: germline.